The following is an entry in ClinVar:

NM_001369369.1(FOXN1):c.345C>G (p.Phe115Leu)

Gene: FOXN1 (forkhead box N1; plus strand). Cytogenetic location: 17q11.2.
Variant type: single nucleotide variant.
Coding change: c.345C>G on transcript NM_001369369.1 (MANE Select); coding-DNA position 345, C replaced by G.
Protein change: p.Phe115Leu; replaces phenylalanine 115 with leucine.
Molecular consequence: missense variant.
Genome position (GRCh38, 1-based): chr17:28,524,724, C>G. VCF-style: chr17-28524724-C-G. GRCh37 (hg19) VCF-style: chr17-26851742-C-G.
Other names: c.345C>G, p.Phe115Leu (NM_003593.3); short protein forms F115L.
Identifiers: ClinVar variation 2705572 (VCV002705572.3), dbSNP rs1567878477, ClinGen allele CA398321269.

ClinVar aggregate classification (germline): Uncertain significance (1 of 4 stars; one submission).

Conditions:
T-cell immunodeficiency, congenital alopecia, and nail dystrophy. Also called: Congenital alopecia and nail dystrophy associated with severe functional T-cell immunodeficiency; Pignata Guarino syndrome. Identifiers: Orphanet 169095, MedGen C1866426, MONDO:0011132, OMIM 601705.

Submission:

Labcorp Genetics (formerly Invitae), Labcorp
Classification: Uncertain significance for T-cell immunodeficiency, congenital alopecia, and nail dystrophy. Last evaluated: 2024-01-06. Review status: criteria provided, single submitter. Criteria: Invitae Variant Classification Sherloc (09022015). Collection method: clinical testing. Allele origin: germline.
Comment: This sequence change replaces phenylalanine, which is neutral and non-polar, with leucine, which is neutral and non-polar, at codon 115 of the FOXN1 protein (p.Phe115Leu). This variant is not present in population databases (gnomAD no frequency). This variant has not been reported in the literature in individuals affected with FOXN1-related conditions. Advanced modeling of protein sequence and biophysical properties (such as structural, functional, and spatial information, amino acid conservation, physicochemical variation, residue mobility, and thermodynamic stability) performed at Invitae indicates that this missense variant is not expected to disrupt FOXN1 protein function with a negative predictive value of 80%. In summary, the available evidence is currently insufficient to determine the role of this variant in disease. Therefore, it has been classified as a Variant of Uncertain Significance.